The following is an entry in ClinVar:

NM_001429.4(EP300):c.5265G>A (p.Leu1755=)

Gene: EP300 (EP300 lysine acetyltransferase; plus strand). Cytogenetic location: 22q13.2.
Variant type: single nucleotide variant.
Coding change: c.5265G>A on transcript NM_001429.4 (MANE Select); coding-DNA position 5265, G replaced by A.
Protein change: p.Leu1755=; no amino-acid change (leucine 1755 retained).
Molecular consequence: synonymous variant.
Genome position (GRCh38, 1-based): chr22:41,176,976, G>A. VCF-style: chr22-41176976-G-A. GRCh37 (hg19) VCF-style: chr22-41572980-G-A.
Other names: c.5187G>A, p.Leu1729= (NM_001362843.2).
Identifiers: ClinVar variation 2653209 (VCV002653209.24), dbSNP rs2145515318, ClinGen allele CA514793980.

ClinVar aggregate classification (germline): Likely benign (1 of 4 stars; one submission).

Submission:

CeGaT Center for Human Genetics Tuebingen
Classification: Likely benign. Last evaluated: 2023-09-01. Review status: criteria provided, single submitter. Criteria: CeGaT Center For Human Genetics Tuebingen Variant Classification Criteria Version 2. Collection method: clinical testing. Allele origin: germline. Affected: yes. Observed: 1 variant allele.
Comment: EP300: PM2:Supporting, BP4, BP7